The following is an entry in ClinVar:

ClinVar aggregate classification (germline): Uncertain significance (1 of 4 stars; one submission).

Conditions:
Hereditary cancer-predisposing syndrome. Also called: Tumor predisposition; Hereditary neoplastic syndrome; Neoplastic Syndromes, Hereditary; Hereditary Cancer Syndrome. Identifiers: Orphanet 140162, MedGen C0027672, MeSH D009386, MONDO:0015356.

Submission:

Ambry Genetics
Classification: Uncertain significance for Hereditary cancer-predisposing syndrome. Last evaluated: 2019-02-21. Review status: criteria provided, single submitter. Criteria: Ambry Variant Classification Scheme 2023. Collection method: clinical testing. Allele origin: germline.
Comment: The p.S416R variant (also known as c.1248C>A), located in coding exon 9 of the BMPR1A gene, results from a C to A substitution at nucleotide position 1248. The serine at codon 416 is replaced by arginine, an amino acid with dissimilar properties. This amino acid position is well conserved in available vertebrate species. In addition, the in silico prediction for this alteration is inconclusive. Since supporting evidence is limited at this time, the clinical significance of this alteration remains unclear.

NM_004329.3(BMPR1A):c.1248C>A (p.Ser416Arg)

Gene: BMPR1A (bone morphogenetic protein receptor type 1A; plus strand). Cytogenetic location: 10q23.2.
Variant type: single nucleotide variant.
Coding change: c.1248C>A on transcript NM_004329.3 (MANE Select); coding-DNA position 1248, C replaced by A.
Protein change: p.Ser416Arg; replaces serine 416 with arginine.
Molecular consequence: missense variant.
Genome position (GRCh38, 1-based): chr10:86,921,601, C>A. VCF-style: chr10-86921601-C-A. GRCh37 (hg19) VCF-style: chr10-88681358-C-A.
Other names: short protein forms S416R.
Identifiers: ClinVar variation 818701 (VCV000818701.4), dbSNP rs1589292635, ClinGen allele CA377462096.
Genomic context (GRCh38, chr10:86,921,601, plus strand): 5'-GCCCTTGAATACCAGGGTGGGCACCAAACGCTACATGGCTCCCGAAGTGCTGGACGAAAG[C>A]CTGAACAAAAACCACTTCCAGCCCTACATCATGGCTGACATCTACAGCTTCGGCCTAATC-3'
Protein context (NP_004320.2, residues 406-426): RYMAPEVLDE[Ser416Arg]LNKNHFQPYI